The following is an entry in ClinVar:

NM_020919.4(ALS2):c.3658A>G (p.Ile1220Val)

Gene: ALS2 (alsin Rho guanine nucleotide exchange factor ALS2; minus strand). Cytogenetic location: 2q33.1.
Variant type: single nucleotide variant.
Coding change: c.3658A>G on transcript NM_020919.4 (MANE Select); coding-DNA position 3658, A replaced by G.
Protein change: p.Ile1220Val; replaces isoleucine 1220 with valine.
Molecular consequence: missense variant.
Genome position (GRCh38, 1-based): chr2:201,723,087, T>C on the plus strand (A>G on the coding strand, the complement: ALS2 is on the minus strand). VCF-style: chr2-201723087-T-C. GRCh37 (hg19) VCF-style: chr2-202587810-T-C.
Other names: short protein forms I1220V.
Identifiers: ClinVar variation 899196 (VCV000899196.11), dbSNP rs370591665, ClinGen allele CA2057800.

ClinVar aggregate classification (germline): Uncertain significance. Review status: criteria provided, multiple submitters, no conflicts (2 of 4 stars). 5 submissions from 4 submitters: Uncertain significance (5). Last evaluated 2026-06-30.

Conditions:
ALS2-related disorder. Also called: ALS2-Related Spectrum Disorders; ALS2-related disorders; ALS2-related condition. Identifiers: MedGen CN169291.
Inborn genetic diseases. Identifiers: MedGen C0950123, MeSH D030342.
Amyotrophic lateral sclerosis type 2, juvenile. Also called: Amyotrophic lateral sclerosis type 2; ALS, JUVENILE. Identifiers: Orphanet 300605, MedGen C1859807, MONDO:0008780, OMIM 205100.
Infantile-onset ascending hereditary spastic paralysis (IAHSP). Also called: Autosomal Recessive Juvenile Amyotrophic Lateral Sclerosis; Infantile-Onset Ascending Hereditary Spastic Paralysis (IAHSP). Identifiers: Orphanet 293168, MedGen C2931441, MONDO:0011797, OMIM 607225. Disease mechanism: loss of function.

Allele frequency attached by ClinVar (database versions not stated): gnomAD 0.00005 and 0.00006; TOPMed 0.00007; ESP Exome Variant Server 0.00008; ExAC 0.00003; gnomAD exomes 0.00003.
gnomAD v4.1: 57 of 1,613,612 alleles (0.0035%); highest among the groups gnomAD compares: Non-Finnish European, 0.0042%; no homozygotes.

Submissions (5):

PreventionGenetics, part of Exact Sciences
Classification: Uncertain significance for ALS2-related condition. Last evaluated: 2026-06-30. Review status: criteria provided, single submitter. Criteria: ACMG Guidelines, 2015. Collection method: clinical testing. Allele origin: germline.
Comment: The ALS2 c.3658A>G variant is predicted to result in the amino acid substitution p.Ile1220Val. To our knowledge, this variant has not been reported in the literature. This variant is reported in 0.0054% of alleles in individuals of European (Non-Finnish) descent in gnomAD. At this time, the clinical significance of this variant is uncertain due to the absence of conclusive functional and genetic evidence.

Ambry Genetics
Classification: Uncertain significance for Inborn genetic diseases. Last evaluated: 2025-08-19. Review status: criteria provided, single submitter. Criteria: Ambry Variant Classification Scheme 2023. Collection method: clinical testing. Allele origin: germline.

Labcorp Genetics (formerly Invitae), Labcorp
Classification: Uncertain significance for Infantile-onset ascending hereditary spastic paralysis. Last evaluated: 2024-11-18. Review status: criteria provided, single submitter. Criteria: Invitae Variant Classification Sherloc (09022015). Collection method: clinical testing. Allele origin: germline.
Comment: This sequence change replaces isoleucine, which is neutral and non-polar, with valine, which is neutral and non-polar, at codon 1220 of the ALS2 protein (p.Ile1220Val). This variant is present in population databases (rs370591665, gnomAD 0.005%). This variant has not been reported in the literature in individuals affected with ALS2-related conditions. ClinVar contains an entry for this variant (Variation ID: 899196). Invitae Evidence Modeling of protein sequence and biophysical properties (such as structural, functional, and spatial information, amino acid conservation, physicochemical variation, residue mobility, and thermodynamic stability) indicates that this missense variant is not expected to disrupt ALS2 protein function with a negative predictive value of 80%. In summary, the available evidence is currently insufficient to determine the role of this variant in disease. Therefore, it has been classified as a Variant of Uncertain Significance.

Illumina Laboratory Services, Illumina
Classification: Uncertain significance for ALS2-Related Disorders. Last evaluated: 2018-01-13. Review status: criteria provided, single submitter. Criteria: ICSL Variant Classification Criteria 13 December 2019. Collection method: clinical testing. Allele origin: germline.

Illumina Laboratory Services, Illumina
Classification: Uncertain significance for Amyotrophic lateral sclerosis type 2. Last evaluated: 2018-01-13. Review status: criteria provided, single submitter. Criteria: ICSL Variant Classification Criteria 13 December 2019. Collection method: clinical testing. Allele origin: germline.